The following is an entry in ClinVar:

NM_000179.3(MSH6):c.2901A>C (p.Ile967=)

Gene: MSH6 (mutS homolog 6; plus strand). Cytogenetic location: 2p16.3.
Variant type: single nucleotide variant.
Coding change: c.2901A>C on transcript NM_000179.3 (MANE Select); coding-DNA position 2901, A replaced by C.
Protein change: p.Ile967=; no amino-acid change (isoleucine 967 retained).
Molecular consequence: synonymous variant.
Genome position (GRCh38, 1-based): chr2:47,800,884, A>C. VCF-style: chr2-47800884-A-C. GRCh37 (hg19) VCF-style: chr2-48028023-A-C.
Other names: c.2511A>C, p.Ile837= (NM_001281492.2); c.1995A>C, p.Ile665= (NM_001281493.2, NM_001281494.2).
Identifiers: ClinVar variation 215649 (VCV000215649.15), dbSNP rs863224330, ClinGen allele CA338236.

ClinVar aggregate classification (germline): Benign/Likely benign. Review status: criteria provided, multiple submitters, no conflicts (2 of 4 stars). 3 submissions from 3 submitters: Benign (1); Likely benign (2). Last evaluated 2025-01-02.

Conditions:
Hereditary nonpolyposis colorectal neoplasms. Identifiers: MedGen C0009405, MeSH D003123.
Hereditary cancer-predisposing syndrome. Also called: Hereditary neoplastic syndrome; Neoplastic Syndromes, Hereditary; Tumor predisposition; Hereditary Cancer Syndrome. Identifiers: Orphanet 140162, MedGen C0027672, MeSH D009386, MONDO:0015356.
Lynch syndrome 5 (LYNCH5). Also called: Colorectal cancer, hereditary nonpolyposis, type 5; Hereditary non-polyposis colorectal cancer, type 5. Identifiers: Orphanet 144, MedGen C1833477, MONDO:0013710, OMIM 614350. Disease mechanism: loss of function.

Allele frequency attached by ClinVar (database versions not stated): TOPMed 0.00001.

Submissions (3):

Myriad Genetics, Inc.
Classification: Benign for Lynch syndrome 5. Last evaluated: 2025-01-02. Review status: criteria provided, single submitter. Criteria: Myriad Autosomal Dominant, Autosomal Recessive and X-Linked Classification Criteria (2023). Collection method: clinical testing. Allele origin: unknown.
Comment: This variant is considered benign. This variant is a silent/synonymous amino acid change and it is not expected to impact splicing.

Labcorp Genetics (formerly Invitae), Labcorp
Classification: Likely benign for Hereditary nonpolyposis colorectal neoplasms. Last evaluated: 2022-01-06. Review status: criteria provided, single submitter. Criteria: Invitae Variant Classification Sherloc (09022015). Collection method: clinical testing. Allele origin: germline.

Ambry Genetics
Classification: Likely benign for Hereditary cancer-predisposing syndrome. Last evaluated: 2020-09-18. Review status: criteria provided, single submitter. Criteria: Ambry Variant Classification Scheme 2023. Collection method: clinical testing. Allele origin: germline.